The following is an entry in ClinVar:

NM_000059.4(BRCA2):c.6275T>C (p.Leu2092Pro)

Gene: BRCA2 (BRCA2 DNA repair associated; plus strand). Cytogenetic location: 13q13.1.
Variant type: single nucleotide variant.
Coding change: c.6275T>C on transcript NM_000059.4 (MANE Select); coding-DNA position 6275, T replaced by C.
Protein change: p.Leu2092Pro; replaces leucine 2092 with proline.
Molecular consequence: missense variant.
Genome position (GRCh38, 1-based): chr13:32,340,630, T>C. VCF-style: chr13-32340630-T-C. GRCh37 (hg19) VCF-style: chr13-32914767-T-C.
Other names: short protein forms L2092P.
Identifiers: ClinVar variation 852965 (VCV000852965.13), dbSNP rs2072550918, ClinGen allele CA387788979.

ClinVar aggregate classification (germline): Conflicting classifications of pathogenicity. Review status: criteria provided, conflicting classifications (1 of 4 stars). 3 submissions from 3 submitters: Uncertain significance (2); Likely benign (1). Last evaluated 2023-03-23.

Conditions:
Hereditary cancer-predisposing syndrome. Also called: Neoplastic Syndromes, Hereditary; Hereditary Cancer Syndrome; Tumor predisposition; Hereditary neoplastic syndrome. Identifiers: Orphanet 140162, MedGen C0027672, MeSH D009386, MONDO:0015356.
Hereditary breast ovarian cancer syndrome. Also called: Hereditary breast and ovarian cancer syndrome; BRCA1- and BRCA2-Associated Hereditary Breast and Ovarian Cancer; Hereditary breast and/or ovarian cancer syndrome; Hereditary breast and ovarian cancer; Hereditary breast and ovarian cancer syndrome (HBOC); Breast and ovarian cancer. Identifiers: Orphanet 145, MedGen C0677776, MeSH D061325, MONDO:0003582. Disease mechanism: loss of function.

Submissions (3):

University of Washington Department of Laboratory Medicine, University of Washington
Classification: Likely benign for Hereditary cancer-predisposing syndrome. Last evaluated: 2023-03-23. Review status: criteria provided, single submitter. Criteria: Dines et al. (Genet Med. 2020). Collection method: curation. Allele origin: germline.
Comment: Missense variant in a coldspot region where missense variants are very unlikely to be pathogenic (PMID:31911673).

BRCA2 exon 11 coldspot. Reclassification based on statistical prior probability.

Ambry Genetics
Classification: Uncertain significance for Hereditary cancer-predisposing syndrome. Last evaluated: 2022-04-05. Review status: criteria provided, single submitter. Criteria: Ambry Variant Classification Scheme 2023. Collection method: clinical testing. Allele origin: germline.
Comment: The p.L2092P variant (also known as c.6275T>C), located in coding exon 10 of the BRCA2 gene, results from a T to C substitution at nucleotide position 6275. The leucine at codon 2092 is replaced by proline, an amino acid with similar properties. This amino acid position is conserved. In addition, this alteration is predicted to be tolerated by in silico analysis. Since supporting evidence is limited at this time, the clinical significance of this alteration remains unclear.

Labcorp Genetics (formerly Invitae), Labcorp
Classification: Uncertain significance for Hereditary breast ovarian cancer syndrome. Last evaluated: 2019-05-06. Review status: criteria provided, single submitter. Criteria: Invitae Variant Classification Sherloc (09022015). Collection method: clinical testing. Allele origin: germline.
Comment: This sequence change replaces leucine with proline at codon 2092 of the BRCA2 protein (p.Leu2092Pro). The leucine residue is weakly conserved and there is a moderate physicochemical difference between leucine and proline. This variant is not present in population databases (ExAC no frequency). This variant has not been reported in the literature in individuals with BRCA2-related conditions. Algorithms developed to predict the effect of missense changes on protein structure and function output the following: SIFT: "Tolerated"; PolyPhen-2: "Benign"; Align-GVGD: "Class C0". The proline amino acid residue is found in multiple mammalian species, suggesting that this missense change does not adversely affect protein function. These predictions have not been confirmed by published functional studies and their clinical significance is uncertain. In summary, the available evidence is currently insufficient to determine the role of this variant in disease. Therefore, it has been classified as a Variant of Uncertain Significance.